The following is an entry in ClinVar:

nsv491550

Variant type: Deletion.
Identifiers: ClinVar variation 21869 (VCV000021869.2).

ClinVar aggregate classification (germline): Pathogenic (0 of 4 stars; one submission).

Conditions:
Radial aplasia-thrombocytopenia syndrome (TAR). Also called: TAR syndrome; Thrombocytopenia Absent Radius Syndrome. Identifiers: Orphanet 3320, MedGen C0175703, MeSH C536940, MONDO:0010121, OMIM 274000.

Submission:

dbVar
Classification: Pathogenic for Radial aplasia-thrombocytopenia syndrome. Last evaluated: 2011-05-13. Review status: no assertion criteria provided. Collection method: curation. Allele origin: germline. Affected: yes.
ClinVar note: Converted during submission from pathogenic to Pathogenic.